The following is an entry in ClinVar:

NM_024598.4(USB1):c.89G>A (p.Ser30Asn)

Genes: USB1 (U6 snRNA biogenesis phosphodiesterase 1; plus strand), LOC130059131 (ATAC-STARR-seq lymphoblastoid active region 10920; plus strand). Cytogenetic location: 16q21.
Variant type: single nucleotide variant.
Coding change: c.89G>A on transcript NM_024598.4 (MANE Select); coding-DNA position 89, G replaced by A.
Protein change: p.Ser30Asn; replaces serine 30 with asparagine.
Molecular consequence: missense variant. On other transcripts: intron variant (1).
Genome position (GRCh38, 1-based): chr16:58,001,572, G>A. VCF-style: chr16-58001572-G-A. GRCh37 (hg19) VCF-style: chr16-58035476-G-A.
Other names: c.89G>A, p.Ser30Asn (NM_001195302.2, NM_001204911.2, NM_001330569.2); c.-55-907G>A (NM_001330568.2); short protein forms S30N.
Identifiers: ClinVar variation 3466469 (VCV003466469.1).

ClinVar aggregate classification (germline): Uncertain significance (1 of 4 stars; one submission).

Conditions:
Inborn genetic diseases. Identifiers: MedGen C0950123, MeSH D030342.

Submission:

Ambry Genetics
Classification: Uncertain significance for Inborn genetic diseases. Last evaluated: 2024-11-22. Review status: criteria provided, single submitter. Criteria: Ambry Variant Classification Scheme 2023. Collection method: clinical testing. Allele origin: germline.
Comment: The p.S30N variant (also known as c.89G>A), located in coding exon 1 of the USB1 gene, results from a G to A substitution at nucleotide position 89. The serine at codon 30 is replaced by asparagine, an amino acid with highly similar properties. This amino acid position is conserved. In addition, this alteration is predicted to be tolerated by in silico analysis. Based on the available evidence, the clinical significance of this variant remains unclear.